The following is an entry in ClinVar:

NM_015512.5(DNAH1):c.9671A>G (p.Asn3224Ser)

Gene: DNAH1 (dynein axonemal heavy chain 1; plus strand). Cytogenetic location: 3p21.1.
Variant type: single nucleotide variant.
Coding change: c.9671A>G on transcript NM_015512.5 (MANE Select); coding-DNA position 9671, A replaced by G.
Protein change: p.Asn3224Ser; replaces asparagine 3224 with serine.
Molecular consequence: missense variant.
Genome position (GRCh38, 1-based): chr3:52,390,984, A>G. VCF-style: chr3-52390984-A-G. GRCh37 (hg19) VCF-style: chr3-52425000-A-G.
Other names: short protein forms N3224S.
Identifiers: ClinVar variation 576287 (VCV000576287.8), dbSNP rs201309675, ClinGen allele CA2435591.

ClinVar aggregate classification (germline): Uncertain significance. Review status: criteria provided, multiple submitters, no conflicts (2 of 4 stars). 2 submissions from 2 submitters: Uncertain significance (2). Last evaluated 2019-07-04.

Conditions:
Ciliary dyskinesia, primary, 37 (CILD37). Also called: CILIARY DYSKINESIA, PRIMARY, 37, WITH OR WITHOUT SITUS INVERSUS. Identifiers: MedGen C4539798, MONDO:0033204, OMIM 617577.
Spermatogenic failure 18. Identifiers: MedGen C4539783, MONDO:0054615, OMIM 617576.

Allele frequency attached by ClinVar (database versions not stated): gnomAD exomes 0.00002 and 0.00005; ExAC 0.00017; ESP Exome Variant Server 0.00033; TOPMed 0.00036; gnomAD 0.00038 and 0.00044; 1000 Genomes Project 0.00040; 1000 Genomes Project 30x 0.00047.
gnomAD v4.1: 91 of 1,553,178 alleles (0.0059%); highest among the groups gnomAD compares: African/African-American, 0.12%; no homozygotes.

Submissions (2):

Labcorp Genetics (formerly Invitae), Labcorp
Classification: Uncertain significance for Ciliary dyskinesia, primary, 37; Spermatogenic failure 18. Last evaluated: 2019-07-04. Review status: criteria provided, single submitter. Criteria: Invitae Variant Classification Sherloc (09022015). Collection method: clinical testing. Allele origin: germline.
Comment: In summary, the available evidence is currently insufficient to determine the role of this variant in disease. Therefore, it has been classified as a Variant of Uncertain Significance. Algorithms developed to predict the effect of missense changes on protein structure and function (SIFT, PolyPhen-2, Align-GVGD) all suggest that this variant is likely to be tolerated, but these predictions have not been confirmed by published functional studies and their clinical significance is uncertain. This variant has not been reported in the literature in individuals with DNAH1-related disease. This variant is present in population databases (rs201309675, ExAC 0.2%). This sequence change replaces asparagine with serine at codon 3224 of the DNAH1 protein (p.Asn3224Ser). The asparagine residue is moderately conserved and there is a small physicochemical difference between asparagine and serine.

Breakthrough Genomics
Classification: Uncertain significance. Review status: criteria provided, single submitter. Criteria: ACMG Guidelines, 2015. Collection method: not provided. Allele origin: germline. Inheritance: Autosomal recessive inheritance. Affected: yes.